The following is an entry in ClinVar:

ClinVar aggregate classification (germline): Likely benign (1 of 4 stars; one submission).

gnomAD v4.1: 1 of 1,614,220 alleles (0.000062%); highest among the groups gnomAD compares: Non-Finnish European, 0.000085%; no homozygotes.

Submission:

CeGaT Center for Human Genetics Tuebingen
Classification: Likely benign. Last evaluated: 2025-11-01. Review status: criteria provided, single submitter. Criteria: CeGaT Center For Human Genetics Tuebingen Variant Classification Criteria Version 2. Collection method: clinical testing. Allele origin: germline. Affected: yes. Observed: 1 variant allele.
Comment: ALDH18A1: BP4, BP7

NM_002860.4(ALDH18A1):c.1959T>C (p.Tyr653=)

Gene: ALDH18A1 (aldehyde dehydrogenase 18 family member A1; minus strand). Cytogenetic location: 10q24.1.
Variant type: single nucleotide variant.
Coding change: c.1959T>C on transcript NM_002860.4 (MANE Select); coding-DNA position 1959, T replaced by C.
Protein change: p.Tyr653=; no amino-acid change (tyrosine 653 retained).
Molecular consequence: synonymous variant.
Genome position (GRCh38, 1-based): chr10:95,611,407, A>G on the plus strand (T>C on the coding strand, the complement: ALDH18A1 is on the minus strand). VCF-style: chr10-95611407-A-G. GRCh37 (hg19) VCF-style: chr10-97371164-A-G.
Other names: c.1953T>C, p.Tyr651= (NM_001017423.2, NM_001323415.2); c.1626T>C, p.Tyr542= (NM_001323412.2, NM_001323416.2); c.1959T>C, p.Tyr653= (NM_001323413.2, NM_001323414.2); c.1854T>C, p.Tyr618= (NM_001323417.2); c.1620T>C, p.Tyr540= (NM_001323418.2); c.1323T>C, p.Tyr441= (NM_001323419.2).
Identifiers: ClinVar variation 4535301 (VCV004535301.6).